The following is an entry in ClinVar:

ClinVar aggregate classification (germline): Pathogenic (1 of 4 stars; one submission).

Submission:

ISCA site 4
Classification: Pathogenic. Last evaluated: 2011-08-12. Review status: criteria provided, single submitter. Criteria: Kaminsky et al. (Genet Med. 2011). Collection method: clinical testing. Allele origin: unknown. Affected: yes. Observed: 1 variant allele.
Comment: Copy number variation identified through the course of routine clinical cytogenomic testing in postnatal populations. Clinical assertions have been curated as described in Kaminsky et al. 2011.

GRCh38/hg38 8p12-q11.21(chr8:29719897-48521849)x3

Genes: ADAM18 (ADAM metallopeptidase domain 18; plus strand), ADAM2 (ADAM metallopeptidase domain 2; minus strand), ADAM32 (ADAM metallopeptidase domain 32; plus strand), ADAM9 (ADAM metallopeptidase domain 9; plus strand), ADGRA2 (adhesion G protein-coupled receptor A2; plus strand) and 415 more. Cytogenetic location: 8p12-q11.21.
Variant type: copy number gain.
Change: copy number 3 (three copies instead of two) of chr8:29,719,897-48,521,849 (18.80 Mb, GRCh38 coordinates, 1-based), cytogenetic band 8p12-q11.21.
Identifiers: ClinVar variation 57312 (VCV000057312.1).